The following is an entry in ClinVar:

NM_016169.4(SUFU):c.973C>T (p.Pro325Ser)

Gene: SUFU (SUFU negative regulator of hedgehog signaling; plus strand). Cytogenetic location: 10q24.32.
Variant type: single nucleotide variant.
Coding change: c.973C>T on transcript NM_016169.4 (MANE Select); coding-DNA position 973, C replaced by T.
Protein change: p.Pro325Ser; replaces proline 325 with serine.
Molecular consequence: missense variant.
Genome position (GRCh38, 1-based): chr10:102,599,495, C>T. VCF-style: chr10-102599495-C-T. GRCh37 (hg19) VCF-style: chr10-104359252-C-T.
Other names: c.973C>T, p.Pro325Ser (NM_001178133.2); short protein forms P325S.
Identifiers: ClinVar variation 2624840 (VCV002624840.4), dbSNP rs2545100820, ClinGen allele CA377911118.

ClinVar aggregate classification (germline): Uncertain significance. Review status: criteria provided, multiple submitters, no conflicts (2 of 4 stars). 2 submissions from 2 submitters: Uncertain significance (2). Last evaluated 2025-09-28.

Conditions:
Hereditary cancer-predisposing syndrome. Also called: Tumor predisposition; Neoplastic Syndromes, Hereditary; Hereditary Cancer Syndrome; Hereditary neoplastic syndrome. Identifiers: Orphanet 140162, MedGen C0027672, MeSH D009386, MONDO:0015356.

Allele frequency attached by ClinVar (database versions not stated): gnomAD exomes below 0.00001.
gnomAD v4.1: 1 of 1,614,228 alleles (0.000062%); highest among the groups gnomAD compares: Non-Finnish European, 0.000085%; no homozygotes.

Submissions (2):

Ambry Genetics
Classification: Uncertain significance for Hereditary cancer-predisposing syndrome. Last evaluated: 2025-09-28. Review status: criteria provided, single submitter. Criteria: Ambry Variant Classification Scheme 2023. Collection method: clinical testing. Allele origin: germline.
Comment: The p.P325S variant (also known as c.973C>T), located in coding exon 8 of the SUFU gene, results from a C to T substitution at nucleotide position 973. The proline at codon 325 is replaced by serine, an amino acid with similar properties. This amino acid position is conserved. In addition, this alteration is predicted to be tolerated by in silico analysis. Since supporting evidence is limited at this time, the clinical significance of this alteration remains unclear.

Blueprint Genetics
Classification: Uncertain significance. Last evaluated: 2023-11-27. Review status: criteria provided, single submitter. Criteria: ACMG Guidelines, 2015. Collection method: clinical testing. Allele origin: germline.